The following is an entry in ClinVar:

ClinVar aggregate classification (germline): Uncertain significance. Review status: criteria provided, multiple submitters, no conflicts (2 of 4 stars). 2 submissions from 2 submitters: Uncertain significance (2). Last evaluated 2026-08-12.

Conditions:
PCNT-related disorder. Also called: PCNT-related condition.

Submissions (2):

PreventionGenetics, part of Exact Sciences
Classification: Uncertain significance for PCNT-related condition. Last evaluated: 2026-08-12. Review status: criteria provided, single submitter. Criteria: ACMG Guidelines, 2015. Collection method: clinical testing. Allele origin: germline.
Comment: The PCNT c.6922-4_6922-2delACA variant is predicted to result in a deletion affecting a canonical splice site. This variant results in the retainment of a consensus AG acceptor sequence at the junction of exon 31 that does not impact splicing based on available splicing prediction programs (SpliceAI, Jaganathan et al. 2019. PubMed ID: 30661751). However, the use of computer prediction programs is not equivalent to functional evidence. To our knowledge, this variant has not been reported in the literature. This variant is reported in 0.047% of alleles in individuals of Latino descent in gnomAD. Although we suspect that this variant may be benign, at this time, the clinical significance of this variant is uncertain due to the absence of conclusive functional and genetic evidence.

Labcorp Genetics (formerly Invitae), Labcorp
Classification: Uncertain significance. Last evaluated: 2022-03-28. Review status: criteria provided, single submitter. Criteria: Invitae Variant Classification Sherloc (09022015). Collection method: clinical testing. Allele origin: germline.
Comment: This sequence change falls in intron 30 of the PCNT gene. It does not directly change the encoded amino acid sequence of the PCNT protein. It affects a nucleotide within the consensus splice site. This variant is present in population databases (rs761998249, gnomAD 0.04%). This variant has not been reported in the literature in individuals affected with PCNT-related conditions. This variant is also known as c.6922-4_6922-2del. Variants that disrupt the consensus splice site are a relatively common cause of aberrant splicing (PMID: 17576681, 9536098). Algorithms developed to predict the effect of sequence changes on RNA splicing suggest that this variant may disrupt the consensus splice site. In summary, the available evidence is currently insufficient to determine the role of this variant in disease. Therefore, it has been classified as a Variant of Uncertain Significance.

Literature cited by the submitters: PubMed 17576681 (cited by Labcorp Genetics (formerly Invitae), Labcorp); PubMed 9536098 (cited by Labcorp Genetics (formerly Invitae), Labcorp).

NM_006031.6(PCNT):c.6922-4_6922-2del

Gene: PCNT (pericentrin; plus strand). Cytogenetic location: 21q22.3.
Variant type: Deletion.
Coding change: c.6922-4_6922-2del on transcript NM_006031.6 (MANE Select); 4 bases into the intron before coding-DNA position 6922 through the canonical splice acceptor site of the intron before coding-DNA position 6922, 3 bases deleted (ACA; older notation c.6922-4_6922-2delACA).
Molecular consequence: splice acceptor variant.
Genome position (GRCh38, 1-based): chr21:46,418,200-46,418,202, ACA deleted; deleting any 3 consecutive bases within chr21:46,418,199-46,418,202 gives the same sequence; the c. name uses the placement nearest the transcript's 3' end. VCF-style (leftmost placement, unchanged base first): chr21-46418198-TAAC-T. GRCh37 (hg19) VCF-style: chr21-47838112-TAAC-T.
Other names: c.6922-4_6922-2delACA (NM_006031.5); c.6568-4_6568-2del (NM_001315529.2).
Identifiers: ClinVar variation 2048431 (VCV002048431.4), dbSNP rs761998249, ClinGen allele CA10080466.